The following is an entry in ClinVar:

ClinVar aggregate classification (germline): Uncertain significance. Review status: criteria provided, multiple submitters, no conflicts (2 of 4 stars). 3 submissions from 3 submitters: Uncertain significance (3). Last evaluated 2025-05-30.

Conditions:
Inborn genetic diseases. Identifiers: MedGen C0950123, MeSH D030342.

gnomAD v4.1: 17 of 1,613,024 alleles (0.0011%); highest among the groups gnomAD compares: Admixed American, 0.017%; no homozygotes.

Submissions (3):

Labcorp Genetics (formerly Invitae), Labcorp
Classification: Uncertain significance. Last evaluated: 2025-05-30. Review status: criteria provided, single submitter. Criteria: Invitae Variant Classification Sherloc (09022015). Collection method: clinical testing. Allele origin: germline.
Comment: This sequence change replaces methionine, which is neutral and non-polar, with leucine, which is neutral and non-polar, at codon 418 of the TMC1 protein (p.Met418Leu). This variant is present in population databases (no rsID available, gnomAD 0.01%). This variant has not been reported in the literature in individuals affected with TMC1-related conditions. ClinVar contains an entry for this variant (Variation ID: 1384337). Invitae Evidence Modeling of protein sequence and biophysical properties (such as structural, functional, and spatial information, amino acid conservation, physicochemical variation, residue mobility, and thermodynamic stability) indicates that this missense variant is not expected to disrupt TMC1 protein function with a negative predictive value of 80%. This variant disrupts the p.Met418 amino acid residue in TMC1. Other variant(s) that disrupt this residue have been determined to be pathogenic (PMID: 11850623, 23871232, 24827932). This suggests that this residue is clinically significant, and that variants that disrupt this residue are likely to be disease-causing. In summary, the available evidence is currently insufficient to determine the role of this variant in disease. Therefore, it has been classified as a Variant of Uncertain Significance.

Ambry Genetics
Classification: Uncertain significance for Inborn genetic diseases. Last evaluated: 2025-01-16. Review status: criteria provided, single submitter. Criteria: Ambry Variant Classification Scheme 2023. Collection method: clinical testing. Allele origin: germline.

GeneDx
Classification: Uncertain significance. Last evaluated: 2024-07-25. Review status: criteria provided, single submitter. Criteria: GeneDx Variant Classification Process June 2021. Collection method: clinical testing. Allele origin: germline. Affected: yes.
Comment: In silico analysis indicates that this missense variant does not alter protein structure/function; Has not been previously published as pathogenic or benign to our knowledge; In silico analysis is inconclusive as to whether the variant alters gene splicing; in the absence of RNA/functional studies the actual effect of this sequence change is unknown

Literature cited by the submitters: PubMed 11850623 (cited by Labcorp Genetics (formerly Invitae), Labcorp); PubMed 23871232 (cited by Labcorp Genetics (formerly Invitae), Labcorp); PubMed 24827932 (cited by Labcorp Genetics (formerly Invitae), Labcorp).

NM_138691.3(TMC1):c.1252A>T (p.Met418Leu)

Gene: TMC1 (transmembrane channel like 1; plus strand). Cytogenetic location: 9q21.13.
Variant type: single nucleotide variant.
Coding change: c.1252A>T on transcript NM_138691.3 (MANE Select); coding-DNA position 1252, A replaced by T.
Protein change: p.Met418Leu; replaces methionine 418 with leucine.
Molecular consequence: missense variant.
Genome position (GRCh38, 1-based): chr9:72,791,913, A>T. VCF-style: chr9-72791913-A-T. GRCh37 (hg19) VCF-style: chr9-75406829-A-T.
Other names: c.1252A>T (NM_138691.2); short protein forms M418L.
Identifiers: ClinVar variation 1384337 (VCV001384337.8), dbSNP rs775453038, ClinGen allele CA373505881.